The following is an entry in ClinVar:

NM_000245.4(MET):c.3284G>C (p.Gly1095Ala)

Gene: MET (MET proto-oncogene, receptor tyrosine kinase; plus strand). Cytogenetic location: 7q31.2.
Variant type: single nucleotide variant.
Coding change: c.3284G>C on transcript NM_000245.4 (MANE Select); coding-DNA position 3284, G replaced by C.
Protein change: p.Gly1095Ala; replaces glycine 1095 with alanine.
Molecular consequence: missense variant.
Genome position (GRCh38, 1-based): chr7:116,777,413, G>C. VCF-style: chr7-116777413-G-C. GRCh37 (hg19) VCF-style: chr7-116417467-G-C.
Other names: c.3338G>C (NM_001127500.1); c.3338G>C, p.Gly1113Ala (NM_001127500.3); c.1994G>C, p.Gly665Ala (NM_001324402.2); short protein forms G1095A, G1113A, G665A.
Identifiers: ClinVar variation 1016239 (VCV001016239.9), dbSNP rs1795029105, ClinGen allele CA368989611.

ClinVar aggregate classification (germline): Uncertain significance. Review status: criteria provided, multiple submitters, no conflicts (2 of 4 stars). 2 submissions from 2 submitters: Uncertain significance (2). Last evaluated 2026-06-12.

Conditions:
Renal cell carcinoma. Identifiers: Orphanet 217071, MedGen C0007134, MeSH D002292, MONDO:0005086, HP:0005584.
Hereditary cancer-predisposing syndrome. Also called: Hereditary neoplastic syndrome; Neoplastic Syndromes, Hereditary; Tumor predisposition; Hereditary Cancer Syndrome. Identifiers: Orphanet 140162, MedGen C0027672, MeSH D009386, MONDO:0015356.

Submissions (2):

Ambry Genetics
Classification: Uncertain significance for Hereditary cancer-predisposing syndrome. Last evaluated: 2026-06-12. Review status: criteria provided, single submitter. Criteria: Ambry Variant Classification Scheme 2023. Collection method: clinical testing. Allele origin: germline.
Comment: The p.G1113A variant (also known as c.3338G>C), located in coding exon 15 of the MET gene, results from a G to C substitution at nucleotide position 3338. The glycine at codon 1113 is replaced by alanine, an amino acid with similar properties. This amino acid position is conserved. In addition, this alteration is predicted to be deleterious by in silico analysis. Based on the available evidence, the clinical significance of this variant remains unclear.

Labcorp Genetics (formerly Invitae), Labcorp
Classification: Uncertain significance for Renal cell carcinoma. Last evaluated: 2024-03-13. Review status: criteria provided, single submitter. Criteria: Invitae Variant Classification Sherloc (09022015). Collection method: clinical testing. Allele origin: germline.
Comment: This sequence change replaces glycine, which is neutral and non-polar, with alanine, which is neutral and non-polar, at codon 1113 of the MET protein (p.Gly1113Ala). This variant is not present in population databases (gnomAD no frequency). This variant has not been reported in the literature in individuals affected with MET-related conditions. ClinVar contains an entry for this variant (Variation ID: 1016239). Advanced modeling of protein sequence and biophysical properties (such as structural, functional, and spatial information, amino acid conservation, physicochemical variation, residue mobility, and thermodynamic stability) has been performed at Invitae for this missense variant, however the output from this modeling did not meet the statistical confidence thresholds required to predict the impact of this variant on MET protein function. In summary, the available evidence is currently insufficient to determine the role of this variant in disease. Therefore, it has been classified as a Variant of Uncertain Significance.